The following is an entry in ClinVar:

ClinVar aggregate classification (germline): Uncertain significance (1 of 4 stars; one submission).

Conditions:
Inborn genetic diseases. Identifiers: MedGen C0950123, MeSH D030342.

Submission:

Ambry Genetics
Classification: Uncertain significance for Inborn genetic diseases. Last evaluated: 2025-06-21. Review status: criteria provided, single submitter. Criteria: Ambry Variant Classification Scheme 2023. Collection method: clinical testing. Allele origin: germline.
Comment: The p.A282V variant (also known as c.845C>T), located in coding exon 7 of the BUB1B gene, results from a C to T substitution at nucleotide position 845. The alanine at codon 282 is replaced by valine, an amino acid with similar properties. This amino acid position is conserved. In addition, this alteration is predicted to be tolerated by in silico analysis. Based on the available evidence, the clinical significance of this variant remains unclear.

NM_001211.6(BUB1B):c.845C>T (p.Ala282Val)

Gene: BUB1B (BUB1 mitotic checkpoint serine/threonine kinase B; plus strand). Cytogenetic location: 15q15.1.
Variant type: single nucleotide variant.
Coding change: c.845C>T on transcript NM_001211.6 (MANE Select); coding-DNA position 845, C replaced by T.
Protein change: p.Ala282Val; replaces alanine 282 with valine.
Molecular consequence: missense variant.
Genome position (GRCh38, 1-based): chr15:40,185,258, C>T. VCF-style: chr15-40185258-C-T. GRCh37 (hg19) VCF-style: chr15-40477459-C-T.
Other names: short protein forms A282V.
Identifiers: ClinVar variation 4216932 (VCV004216932.1).